The following is an entry in ClinVar:

NM_017780.4(CHD7):c.1135C>T (p.Gln379Ter)

Gene: CHD7 (chromodomain helicase DNA binding protein 7; plus strand). Cytogenetic location: 8q12.2.
Variant type: single nucleotide variant.
Coding change: c.1135C>T on transcript NM_017780.4 (MANE Select); coding-DNA position 1135, C replaced by T.
Protein change: p.Gln379Ter; replaces glutamine 379 with a stop codon.
Molecular consequence: nonsense.
Genome position (GRCh38, 1-based): chr8:60,742,567, C>T. VCF-style: chr8-60742567-C-T. GRCh37 (hg19) VCF-style: chr8-61655126-C-T.
Other names: c.1135C>T, p.Gln379Ter (NM_001316690.1); short protein forms Q379*.
Identifiers: ClinVar variation 5007318 (VCV005007318.2).

ClinVar aggregate classification (germline): Likely pathogenic (1 of 4 stars; one submission).

Conditions:
CHD7-related CHARGE syndrome. Identifiers: MedGen CN380413, MONDO:1010178, OMIM 214800.
Hypogonadotropic hypogonadism 5 with or without anosmia (KAL5). Also called: HYPOGONADOTROPIC HYPOGONADISM 5 WITH ANOSMIA; HYPOGONADOTROPHIC HYPOGONADISM 5 WITHOUT ANOSMIA; CHD7-Related GnRH Deficiency (Kallmann Syndrome 5). Identifiers: Orphanet 478, MedGen C3552553, MONDO:0012880, OMIM 612370. Disease mechanism: loss of function.

Submission:

Juno Genomics, Hangzhou Juno Genomics, Inc
Classification: Likely pathogenic for CHD7-related CHARGE syndrome; Hypogonadotropic hypogonadism 5 with or without anosmia. Review status: criteria provided, single submitter. Criteria: ACMG Guidelines, 2015. Collection method: clinical testing. Allele origin: germline.
Comment: Null variant in a gene where loss of function (LOF) is a known mechanism of disease.;Absent from controls (or at extremely low frequency if recessive) in Genome Aggregation Database.